The following is an entry in ClinVar:

NM_001365951.3(KIF1B):c.5338C>A (p.Gln1780Lys)

Gene: KIF1B (kinesin family member 1B; plus strand). Cytogenetic location: 1p36.22.
Variant type: single nucleotide variant.
Coding change: c.5338C>A on transcript NM_001365951.3 (MANE Select); coding-DNA position 5338, C replaced by A.
Protein change: p.Gln1780Lys; replaces glutamine 1780 with lysine.
Molecular consequence: missense variant.
Genome position (GRCh38, 1-based): chr1:10,375,303, C>A. VCF-style: chr1-10375303-C-A. GRCh37 (hg19) VCF-style: chr1-10435361-C-A.
Other names: c.5338C>A, p.Gln1780Lys (NM_001365952.1); c.5200C>A, p.Gln1734Lys (NM_015074.3); short protein forms Q1734K, Q1780K.
Identifiers: ClinVar variation 3864095 (VCV003864095.1).

ClinVar aggregate classification (germline): Uncertain significance (1 of 4 stars; one submission).

Submission:

Ambry Genetics
Classification: Uncertain significance. Last evaluated: 2025-02-12. Review status: criteria provided, single submitter. Criteria: Ambry Variant Classification Scheme 2023. Collection method: clinical testing. Allele origin: germline.
Comment: The p.Q1734K variant (also known as c.5200C>A), located in coding exon 45 of the KIF1B gene, results from a C to A substitution at nucleotide position 5200. The glutamine at codon 1734 is replaced by lysine, an amino acid with similar properties. This amino acid position is conserved. In addition, the in silico prediction for this alteration is inconclusive. Based on the available evidence, the clinical significance of this variant remains unclear.